The following is an entry in ClinVar:

ClinVar aggregate classification (germline): Conflicting classifications of pathogenicity. Review status: criteria provided, conflicting classifications (1 of 4 stars). 3 submissions from 3 submitters: Uncertain significance (1); Likely benign (2). Last evaluated 2025-07-22.

Conditions:
Hereditary cancer-predisposing syndrome. Also called: Tumor predisposition; Hereditary Cancer Syndrome; Neoplastic Syndromes, Hereditary; Hereditary neoplastic syndrome. Identifiers: Orphanet 140162, MedGen C0027672, MeSH D009386, MONDO:0015356.
Ataxia-telangiectasia syndrome (AT). Also called: Cerebello-oculocutaneous telangiectasia; Immunodeficiency with ataxia telangiectasia; Ataxia-telangiectasia, complementation group D; AT, COMPLEMENTATION GROUP C; Ataxia-telangiectasia, complementation group E; LOUIS-BAR SYNDROME. Identifiers: Orphanet 100, MedGen C0004135, MONDO:0008840, OMIM 208900.

Allele frequency attached by ClinVar (database versions not stated): gnomAD exomes below 0.00001; ExAC 0.00001; TOPMed 0.00001; ESP Exome Variant Server 0.00008.
gnomAD v4.1: 2 of 1,611,956 alleles (0.00012%); highest among the groups gnomAD compares: East Asian, 0.0022%; no homozygotes.

Submissions (3):

Color Diagnostics, LLC DBA Color Health
Classification: Likely benign for Hereditary cancer-predisposing syndrome. Last evaluated: 2025-07-22. Review status: criteria provided, single submitter. Criteria: ACMG Guidelines, 2015. Collection method: clinical testing. Allele origin: germline.

Labcorp Genetics (formerly Invitae), Labcorp
Classification: Uncertain significance for Ataxia-telangiectasia syndrome. Last evaluated: 2025-06-11. Review status: criteria provided, single submitter. Criteria: Invitae Variant Classification Sherloc (09022015). Collection method: clinical testing. Allele origin: germline.
Comment: This sequence change replaces glycine, which is neutral and non-polar, with arginine, which is basic and polar, at codon 1102 of the ATM protein (p.Gly1102Arg). This variant is present in population databases (rs147557621, gnomAD 0.3%). This variant has not been reported in the literature in individuals affected with ATM-related conditions. ClinVar contains an entry for this variant (Variation ID: 453458). Invitae Evidence Modeling of protein sequence and biophysical properties (such as structural, functional, and spatial information, amino acid conservation, physicochemical variation, residue mobility, and thermodynamic stability) indicates that this missense variant is not expected to disrupt ATM protein function with a negative predictive value of 95%. In summary, the available evidence is currently insufficient to determine the role of this variant in disease. Therefore, it has been classified as a Variant of Uncertain Significance.

Ambry Genetics
Classification: Likely benign for Hereditary cancer-predisposing syndrome. Last evaluated: 2024-12-19. Review status: criteria provided, single submitter. Criteria: Ambry Variant Classification Scheme 2023. Collection method: clinical testing. Allele origin: germline.

NM_000051.4(ATM):c.3304G>A (p.Gly1102Arg)

Gene: ATM (ATM serine/threonine kinase; plus strand). Cytogenetic location: 11q22.3.
Variant type: single nucleotide variant.
Coding change: c.3304G>A on transcript NM_000051.4 (MANE Select); coding-DNA position 3304, G replaced by A.
Protein change: p.Gly1102Arg; replaces glycine 1102 with arginine.
Molecular consequence: missense variant.
Genome position (GRCh38, 1-based): chr11:108,279,510, G>A. VCF-style: chr11-108279510-G-A. GRCh37 (hg19) VCF-style: chr11-108150237-G-A.
Other names: c.3304G>A, p.Gly1102Arg (NM_001351834.2); short protein forms G1102R.
Identifiers: ClinVar variation 453458 (VCV000453458.19), dbSNP rs147557621, ClinGen allele CA6265260.